The following is an entry in ClinVar:

NM_005523.6(HOXA11):c.238G>A (p.Ala80Thr)

Genes: HOXA11 (homeobox A11; minus strand), LOC107126281 (NUP98-HOXA11 recombination region; plus strand). Cytogenetic location: 7p15.2.
Variant type: single nucleotide variant.
Coding change: c.238G>A on transcript NM_005523.6 (MANE Select); coding-DNA position 238, G replaced by A.
Protein change: p.Ala80Thr; replaces alanine 80 with threonine.
Molecular consequence: missense variant.
Genome position (GRCh38, 1-based): chr7:27,184,907, C>T on the plus strand (G>A on the coding strand, the complement: HOXA11 is on the minus strand). VCF-style: chr7-27184907-C-T. GRCh37 (hg19) VCF-style: chr7-27224526-C-T.
Other names: p.Ala80Thr; short protein forms A80T.
Identifiers: ClinVar variation 3058476 (VCV003058476.3), dbSNP rs139102218, ClinGen allele CA4198472.
Genomic context (GRCh38, chr7:27,184,907, plus strand): 5'-CCGCGCTGGGCGCCTGCAGGCAGTCTCTGTGCACGAGCTCCTCCGCGGAGTAGCAGTGGG[C>T]CAGATTGCCGCGGGGGTGCCATTTAGTGGCGGGCTCAATGGCGTACTCTCTGAAGGTCAC-3'
Protein context (NP_005514.1, residues 70-90): ATKWHPRGNL[Ala80Thr]HCYSAEELVH

ClinVar aggregate classification (germline): Benign. Review status: criteria provided, single submitter (1 of 4 stars). 2 submissions from 2 submitters: Benign (1). 1 of the submissions does not count toward it. Last evaluated 2025-04-07.

Conditions:
HOXA11-related disorder. Also called: HOXA11-related condition.

Allele frequency attached by ClinVar (database versions not stated): ESP Exome Variant Server 0.00015; ExAC 0.00032; gnomAD 0.00021; 1000 Genomes Project 30x 0.00125; TOPMed 0.00025; 1000 Genomes Project 0.00140.

Submissions (2):

Mayo Clinic Laboratories, Mayo Clinic
Classification: Benign. Last evaluated: 2025-04-07. Review status: criteria provided, single submitter. Criteria: ACMG Guidelines, 2015. Collection method: clinical testing. Allele origin: germline. Observed: 1 variant allele.
Comment: BS1, BS2, BP4_moderate

PreventionGenetics, part of Exact Sciences
Classification: Likely benign for HOXA11-related condition. Last evaluated: 2023-10-24. Review status: no assertion criteria provided. Collection method: clinical testing. Allele origin: germline. Not counted in ClinVar's aggregate classification.
Comment: This variant is classified as likely benign based on ACMG/AMP sequence variant interpretation guidelines (Richards et al. 2015 PMID: 25741868, with internal and published modifications).